The following is an entry in ClinVar:

ClinVar aggregate classification (germline): Uncertain significance (1 of 4 stars; one submission).

Conditions:
Hereditary sensory and autonomic neuropathy type 6. Also called: Neuropathy, hereditary sensory and autonomic, type VI; HSAN VI. Identifiers: Orphanet 314381, MedGen C3539003, MONDO:0013839, OMIM 614653.
Epidermolysis bullosa simplex 3, localized or generalized intermediate, with BP230 deficiency (EBS3). Also called: Epidermolysis bullosa simplex, autosomal recessive 2; Epidermolysis bullosa simplex due to BP230 deficiency. Identifiers: Orphanet 412181, MedGen C3809470, MONDO:0014180, OMIM 615425.

Allele frequency attached by ClinVar (database versions not stated): gnomAD exomes below 0.00001; TOPMed below 0.00001; gnomAD 0.00001.
gnomAD v4.1: 7 of 1,613,842 alleles (0.00043%); highest among the groups gnomAD compares: African/African-American, 0.008%; no homozygotes.

Submission:

Labcorp Genetics (formerly Invitae), Labcorp
Classification: Uncertain significance for Epidermolysis bullosa simplex 3, localized or generalized intermediate, with BP230 deficiency; Hereditary sensory and autonomic neuropathy type 6. Last evaluated: 2019-11-02. Review status: criteria provided, single submitter. Criteria: Invitae Variant Classification Sherloc (09022015). Collection method: clinical testing. Allele origin: germline.
Comment: In summary, the available evidence is currently insufficient to determine the role of this variant in disease. Therefore, it has been classified as a Variant of Uncertain Significance. Algorithms developed to predict the effect of missense changes on protein structure and function output the following: SIFT: "Tolerated"; PolyPhen-2: "Not Available"; Align-GVGD: "Class C0". The alanine amino acid residue is found in multiple mammalian species, suggesting that this missense change does not adversely affect protein function. These predictions have not been confirmed by published functional studies and their clinical significance is uncertain. This variant has not been reported in the literature in individuals with DST-related conditions. This variant is not present in population databases (ExAC no frequency). This sequence change replaces threonine with alanine at codon 1549 of the DST protein (p.Thr1549Ala). The threonine residue is weakly conserved and there is a small physicochemical difference between the two amino acids. The DST gene has multiple clinically relevant transcripts. This variant occurs in alternate transcript NM_015548.4, and corresponds to NM_001723.5:c.*21642A>G in the primary transcript.

NM_001374736.1(DST):c.12514A>G (p.Thr4172Ala)

Gene: DST (dystonin; minus strand). Cytogenetic location: 6p12.1.
Variant type: single nucleotide variant.
Coding change: c.12514A>G on transcript NM_001374736.1 (MANE Select); coding-DNA position 12514, A replaced by G.
Protein change: p.Thr4172Ala; replaces threonine 4172 with alanine.
Molecular consequence: missense variant.
Genome position (GRCh38, 1-based): chr6:56,593,875, T>C on the plus strand (A>G on the coding strand, the complement: DST is on the minus strand). VCF-style: chr6-56593875-T-C. GRCh37 (hg19) VCF-style: chr6-56458673-T-C.
Other names: c.6157A>G, p.Thr2053Ala (NM_001144769.5); c.5743A>G, p.Thr1915Ala (NM_001144770.2); c.12514A>G, p.Thr4172Ala (NM_001374722.1); c.11881A>G, p.Thr3961Ala (NM_001374729.1); c.5623A>G, p.Thr1875Ala (NM_001374730.1, NM_183380.4); c.12541A>G, p.Thr4181Ala (NM_001374734.1); c.4645A>G, p.Thr1549Ala (NM_015548.5); short protein forms T1915A, T2053A, T4172A, T1549A, T1875A, T3961A, T4181A.
Identifiers: ClinVar variation 965644 (VCV000965644.8), dbSNP rs1209088760, ClinGen allele CA364525907.
Genomic context (GRCh38, chr6:56,593,875, plus strand): 5'-TCAAGTCACCTTTGTGAGAAATAACGTCTTCTGAGAAACTCTTCTGCCTCTTCAATTTGG[T>C]CATTAAACCATTGATGTCATCTGCACCTGCCTCCAGGTTTTCAAGTTCTTGTTCTGACTG-3'
Protein context (NP_001361665.1, residues 4162-4182): AGADDINGLM[Thr4172Ala]KLKRQKSFSE